The following is an entry in ClinVar:

ClinVar aggregate classification (germline): Uncertain significance. Review status: criteria provided, single submitter (1 of 4 stars). 2 submissions from 2 submitters: Uncertain significance (1). 1 of the submissions does not count toward it. Last evaluated 2024-12-05.

Conditions:
SEMA3A-related disorder. Also called: SEMA3A-related condition.
Hypogonadotropic hypogonadism 16 with or without anosmia (HH16). Also called: HYPOGONADOTROPIC HYPOGONADISM 16 WITH ANOSMIA, SUSCEPTIBILITY TO. Identifiers: Orphanet 478, MedGen C3554021, MONDO:0013961, OMIM 614897.

gnomAD v4.1: 11 of 1,601,382 alleles (0.00069%); highest among the groups gnomAD compares: African/African-American, 0.0081%; no homozygotes.

Submissions (2):

Laboratorio de Genetica e Diagnostico Molecular, Hospital Israelita Albert Einstein
Classification: Uncertain significance for Hypogonadotropic hypogonadism 16 with or without anosmia. Last evaluated: 2024-12-05. Review status: criteria provided, single submitter. Criteria: ACMG Guidelines, 2015. Collection method: clinical testing. Allele origin: germline. Affected: yes.
Comment: ACMG classification criteria: PM2 supporting, BP4 supporting

PreventionGenetics, part of Exact Sciences
Classification: Likely benign for SEMA3A-related condition. Last evaluated: 2023-02-01. Review status: no assertion criteria provided. Collection method: clinical testing. Allele origin: germline. Not counted in ClinVar's aggregate classification.
Comment: This variant is classified as likely benign based on ACMG/AMP sequence variant interpretation guidelines (Richards et al. 2015 PMID: 25741868, with internal and published modifications).

NM_006080.3(SEMA3A):c.270+6A>C

Gene: SEMA3A (semaphorin 3A; minus strand). Cytogenetic location: 7q21.11.
Variant type: single nucleotide variant.
Coding change: c.270+6A>C on transcript NM_006080.3 (MANE Select); 6 bases into the intron after coding-DNA position 270, A replaced by C.
Molecular consequence: intron variant.
Genome position (GRCh38, 1-based): chr7:84,134,788, T>G on the plus strand (A>C on the coding strand, the complement: SEMA3A is on the minus strand). VCF-style: chr7-84134788-T-G. GRCh37 (hg19) VCF-style: chr7-83764104-T-G.
Identifiers: ClinVar variation 3356381 (VCV003356381.2).